The following is an entry in ClinVar:

NM_015450.3(POT1):c.1397T>G (p.Leu466Arg)

Gene: POT1 (protection of telomeres 1; minus strand). Cytogenetic location: 7q31.33.
Variant type: single nucleotide variant.
Coding change: c.1397T>G on transcript NM_015450.3 (MANE Select); coding-DNA position 1397, T replaced by G.
Protein change: p.Leu466Arg; replaces leucine 466 with arginine.
Molecular consequence: missense variant. On other transcripts: non-coding transcript variant (3).
Genome position (GRCh38, 1-based): chr7:124,835,387, A>C on the plus strand (T>G on the coding strand, the complement: POT1 is on the minus strand). VCF-style: chr7-124835387-A-C. GRCh37 (hg19) VCF-style: chr7-124475441-A-C.
Other names: c.1004T>G, p.Leu335Arg (NM_001042594.2); short protein forms L335R, L466R.
Identifiers: ClinVar variation 3423144 (VCV003423144.3).

ClinVar aggregate classification (germline): Uncertain significance. Review status: criteria provided, multiple submitters, no conflicts (2 of 4 stars). 2 submissions from 2 submitters: Uncertain significance (2). Last evaluated 2024-10-30.

Conditions:
Tumor predisposition syndrome 3 (TPDS3). Also called: Melanoma, cutaneous malignant, susceptibility to, 10; Glioma susceptibility 9; LONG TELOMERE SYNDROME, POT1-RELATED; POT1 Tumor Predisposition. Identifiers: Orphanet 618, MedGen C4014476, MONDO:0014368, OMIM 615848.
Hereditary cancer-predisposing syndrome. Also called: Tumor predisposition; Hereditary Cancer Syndrome; Hereditary neoplastic syndrome; Neoplastic Syndromes, Hereditary. Identifiers: Orphanet 140162, MedGen C0027672, MeSH D009386, MONDO:0015356.

Submissions (2):

Ambry Genetics
Classification: Uncertain significance for Hereditary cancer-predisposing syndrome. Last evaluated: 2024-10-30. Review status: criteria provided, single submitter. Criteria: Ambry Variant Classification Scheme 2023. Collection method: clinical testing. Allele origin: germline.
Comment: The p.L466R variant (also known as c.1397T>G), located in coding exon 11 of the POT1 gene, results from a T to G substitution at nucleotide position 1397. The leucine at codon 466 is replaced by arginine, an amino acid with dissimilar properties. This amino acid position is conserved. In addition, this alteration is predicted to be deleterious by in silico analysis. Based on the available evidence, the clinical significance of this variant remains unclear.

Labcorp Genetics (formerly Invitae), Labcorp
Classification: Uncertain significance for Tumor predisposition syndrome 3. Last evaluated: 2024-08-21. Review status: criteria provided, single submitter. Criteria: Invitae Variant Classification Sherloc (09022015). Collection method: clinical testing. Allele origin: germline.
Comment: This sequence change replaces leucine, which is neutral and non-polar, with arginine, which is basic and polar, at codon 466 of the POT1 protein (p.Leu466Arg). This variant is not present in population databases (gnomAD no frequency). This variant has not been reported in the literature in individuals affected with POT1-related conditions. Invitae Evidence Modeling of protein sequence and biophysical properties (such as structural, functional, and spatial information, amino acid conservation, physicochemical variation, residue mobility, and thermodynamic stability) indicates that this missense variant is not expected to disrupt POT1 protein function with a negative predictive value of 80%. In summary, the available evidence is currently insufficient to determine the role of this variant in disease. Therefore, it has been classified as a Variant of Uncertain Significance.